The following is an entry in ClinVar:

ClinVar aggregate classification (germline): Uncertain significance (1 of 4 stars; one submission).

gnomAD v4.1: 5 of 1,579,482 alleles (0.00032%); highest among the groups gnomAD compares: Non-Finnish European, 0.00043%; no homozygotes.

Submission:

Labcorp Genetics (formerly Invitae), Labcorp
Classification: Uncertain significance. Last evaluated: 2021-12-02. Review status: criteria provided, single submitter. Criteria: Invitae Variant Classification Sherloc (09022015). Collection method: clinical testing. Allele origin: germline.
Comment: This sequence change replaces methionine, which is neutral and non-polar, with isoleucine, which is neutral and non-polar, at codon 403 of the RARS protein (p.Met403Ile). This variant is not present in population databases (gnomAD no frequency). This variant has not been reported in the literature in individuals affected with RARS-related conditions. Algorithms developed to predict the effect of missense changes on protein structure and function output the following: SIFT: "Tolerated"; PolyPhen-2: "Benign"; Align-GVGD: "Class C0". The isoleucine amino acid residue is found in multiple mammalian species, which suggests that this missense change does not adversely affect protein function. In summary, the available evidence is currently insufficient to determine the role of this variant in disease. Therefore, it has been classified as a Variant of Uncertain Significance.

NM_002887.4(RARS1):c.1209G>A (p.Met403Ile)

Gene: RARS1 (arginyl-tRNA synthetase 1; plus strand). Cytogenetic location: 5q34.
Variant type: single nucleotide variant.
Coding change: c.1209G>A on transcript NM_002887.4 (MANE Select); coding-DNA position 1209, G replaced by A.
Protein change: p.Met403Ile; replaces methionine 403 with isoleucine.
Molecular consequence: missense variant.
Genome position (GRCh38, 1-based): chr5:168,506,172, G>A. VCF-style: chr5-168506172-G-A. GRCh37 (hg19) VCF-style: chr5-167933177-G-A.
Other names: short protein forms M403I.
Identifiers: ClinVar variation 1680427 (VCV001680427.6), dbSNP rs2152905319, ClinGen allele CA362082004.
Genomic context (GRCh38, chr5:168,506,172, plus strand): 5'-CTATGATACATCTGACCTGGCTGCTATTAAACAAAGACTATTTGAGGAAAAAGCAGATAT[G>A]ATTATCTATGTTGTGGACAATGGACAAGTGAGTTTGTAAATTTGTATGTGTTTTACATTG-3'
Protein context (NP_002878.2, residues 393-413): KQRLFEEKAD[Met403Ile]IIYVVDNGQS